The following is an entry in ClinVar:

NM_001354930.2(RIPK1):c.775G>T (p.Glu259Ter)

Gene: RIPK1 (receptor interacting serine/threonine kinase 1; plus strand). Cytogenetic location: 6p25.2.
Variant type: single nucleotide variant.
Coding change: c.775G>T on transcript NM_001354930.2 (MANE Select); coding-DNA position 775, G replaced by T.
Protein change: p.Glu259Ter; replaces glutamic acid 259 with a stop codon.
Molecular consequence: nonsense.
Genome position (GRCh38, 1-based): chr6:3,085,345, G>T. VCF-style: chr6-3085345-G-T. GRCh37 (hg19) VCF-style: chr6-3085579-G-T.
Other names: c.286G>T, p.Glu96Ter (NM_001317061.3, NM_001354932.2, NM_001354933.2 and 1 more transcripts); c.637G>T, p.Glu213Ter (NM_001354931.2); c.775G>T, p.Glu259Ter (NM_003804.6); short protein forms E213*, E259*, E96*.
Identifiers: ClinVar variation 3621187 (VCV003621187.2).
Genomic context (GRCh38, chr6:3,085,345, plus strand): 5'-ATGTGCATAAAATCTGGGAACAGGCCAGATGTGGATGACATCACTGAGTACTGCCCAAGA[G>T]AAATTATCAGTCTCATGAAGCTCTGCTGGGAAGCGAATCCGGAAGCTCGGCCGACATTTC-3'

ClinVar aggregate classification (germline): Pathogenic (1 of 4 stars; one submission).

Submission:

Labcorp Genetics (formerly Invitae), Labcorp
Classification: Pathogenic. Last evaluated: 2025-10-15. Review status: criteria provided, single submitter. Criteria: Invitae Variant Classification Sherloc (09022015). Collection method: clinical testing. Allele origin: germline.
Comment: This sequence change creates a premature translational stop signal (p.Glu259*) in the RIPK1 gene. It is expected to result in an absent or disrupted protein product. Loss-of-function variants in RIPK1 are known to be pathogenic (PMID: 31213653). This variant is not present in population databases (gnomAD no frequency). This variant has not been reported in the literature in individuals affected with RIPK1-related conditions. ClinVar contains an entry for this variant (Variation ID: 3621187). Algorithms developed to predict the effect of sequence changes on RNA splicing suggest that this variant may disrupt the consensus splice site. For these reasons, this variant has been classified as Pathogenic.

Literature cited by the submitters: PubMed 31213653.